The following is an entry in ClinVar:

NM_002227.4(JAK1):c.991-27C>T

Gene: JAK1 (Janus kinase 1; minus strand). Cytogenetic location: 1p31.3.
Variant type: single nucleotide variant.
Coding change: c.991-27C>T on transcript NM_002227.4 (MANE Select); 27 bases into the intron before coding-DNA position 991, C replaced by T.
Molecular consequence: intron variant.
Genome position (GRCh38, 1-based): chr1:64,864,999, G>A on the plus strand (C>T on the coding strand, the complement: JAK1 is on the minus strand). VCF-style: chr1-64864999-G-A. GRCh37 (hg19) VCF-style: chr1-65330682-G-A.
Other names: c.991-27C>T (NM_001321852.2, NM_001321854.2, NM_001321853.2 and 4 more transcripts).
Identifiers: ClinVar variation 2628145 (VCV002628145.2), dbSNP rs2256298, ClinGen allele CA893050.

ClinVar aggregate classification (germline): Benign (1 of 4 stars; one submission).

Allele frequency attached by ClinVar (database versions not stated): gnomAD exomes 0.25617; ExAC 0.29839; ESP Exome Variant Server 0.32987; gnomAD 0.35227; 1000 Genomes Project 0.36721; TOPMed 0.37520; 1000 Genomes Project 30x 0.37726.
gnomAD v4.1: 417,862 of 1,571,840 alleles (27%); highest among the groups gnomAD compares: African/African-American, 58%; 61,036 homozygotes.

Submission:

Unidad de Genómica Garrahan, Hospital de Pediatría Garrahan
Classification: Benign. Last evaluated: 2023-11-12. Review status: criteria provided, single submitter. Criteria: ACMG Guidelines, 2015. Collection method: clinical testing. Allele origin: germline. Affected: no. Observed: 57 variant alleles.
Comment: This variant is classified as Benign based on local population frequency. This variant was detected in 59% of patients studied by a panel of primary immunodeficiencies. Number of patients: 57. Only high quality variants are reported.